The following is an entry in ClinVar:

NM_001142800.2(EYS):c.7699G>A (p.Ala2567Thr)

Gene: EYS (eyes shut homolog; minus strand). Cytogenetic location: 6q12.
Variant type: single nucleotide variant.
Coding change: c.7699G>A on transcript NM_001142800.2 (MANE Select); coding-DNA position 7699, G replaced by A.
Protein change: p.Ala2567Thr; replaces alanine 2567 with threonine.
Molecular consequence: missense variant.
Genome position (GRCh38, 1-based): chr6:63,788,129, C>T on the plus strand (G>A on the coding strand, the complement: EYS is on the minus strand). VCF-style: chr6-63788129-C-T. GRCh37 (hg19) VCF-style: chr6-64498022-C-T.
Other names: c.7699G>A, p.Ala2567Thr (NM_001292009.2); short protein forms A2567T.
Identifiers: ClinVar variation 1008794 (VCV001008794.7), dbSNP rs1208734040, ClinGen allele CA364384810.
Genomic context (GRCh38, chr6:63,788,129, plus strand): 5'-TAAGTAGGTATAATATAAAAAATGTCCATGCCTTACCTTGAAAACCATTTTTAAAATCTG[C>T]TCCATTTGGTAAGAGATCTGGAGTGTATTCACTGTAGCCACCTACATAAAACTGACTGAA-3'
Protein context (NP_001136272.1, residues 2557-2577): EYTPDLLPNG[Ala2567Thr]DFKNGFQGCI

ClinVar aggregate classification (germline): Uncertain significance. Review status: criteria provided, single submitter (1 of 4 stars). 2 submissions from 2 submitters: Uncertain significance (1). 1 of the submissions does not count toward it. Last evaluated 2022-10-04.

Conditions:
Retinitis pigmentosa 25 (RP25). Identifiers: Orphanet 791, MedGen C1864446, MONDO:0011272, OMIM 602772.

Allele frequency attached by ClinVar (database versions not stated): TOPMed below 0.00001; gnomAD exomes 0.00001 and 0.00002.
gnomAD v4.1: 16 of 1,541,780 alleles (0.001%); highest among the groups gnomAD compares: East Asian, 0.0025%; no homozygotes.

Submissions (2):

Labcorp Genetics (formerly Invitae), Labcorp
Classification: Uncertain significance. Last evaluated: 2022-10-04. Review status: criteria provided, single submitter. Criteria: Invitae Variant Classification Sherloc (09022015). Collection method: clinical testing. Allele origin: germline.
Comment: This sequence change replaces alanine, which is neutral and non-polar, with threonine, which is neutral and polar, at codon 2567 of the EYS protein (p.Ala2567Thr). This variant is present in population databases (no rsID available, gnomAD 0.004%). This variant has not been reported in the literature in individuals affected with EYS-related conditions. ClinVar contains an entry for this variant (Variation ID: 1008794). Algorithms developed to predict the effect of missense changes on protein structure and function (SIFT, PolyPhen-2, Align-GVGD) all suggest that this variant is likely to be tolerated. In summary, the available evidence is currently insufficient to determine the role of this variant in disease. Therefore, it has been classified as a Variant of Uncertain Significance.

Natera, Inc.
Classification: Uncertain significance for Retinitis pigmentosa type 25. Last evaluated: 2020-08-20. Review status: no assertion criteria provided. Collection method: clinical testing. Allele origin: germline. Not counted in ClinVar's aggregate classification.